The following is an entry in ClinVar:

ClinVar aggregate classification (germline): Uncertain significance (1 of 4 stars; one submission).

Submission:

Labcorp Genetics (formerly Invitae), Labcorp
Classification: Uncertain significance. Last evaluated: 2024-01-29. Review status: criteria provided, single submitter. Criteria: Invitae Variant Classification Sherloc (09022015). Collection method: clinical testing. Allele origin: germline.
Comment: This sequence change replaces leucine, which is neutral and non-polar, with phenylalanine, which is neutral and non-polar, at codon 696 of the SI protein (p.Leu696Phe). This variant is not present in population databases (gnomAD no frequency). This variant has not been reported in the literature in individuals affected with SI-related conditions. Advanced modeling of protein sequence and biophysical properties (such as structural, functional, and spatial information, amino acid conservation, physicochemical variation, residue mobility, and thermodynamic stability) has been performed at Invitae for this missense variant, however the output from this modeling did not meet the statistical confidence thresholds required to predict the impact of this variant on SI protein function. In summary, the available evidence is currently insufficient to determine the role of this variant in disease. Therefore, it has been classified as a Variant of Uncertain Significance.

NM_001041.4(SI):c.2088A>C (p.Leu696Phe)

Gene: SI (sucrase-isomaltase; minus strand). Cytogenetic location: 3q26.1.
Variant type: single nucleotide variant.
Coding change: c.2088A>C on transcript NM_001041.4 (MANE Select); coding-DNA position 2088, A replaced by C.
Protein change: p.Leu696Phe; replaces leucine 696 with phenylalanine.
Molecular consequence: missense variant.
Genome position (GRCh38, 1-based): chr3:165,041,011, T>G on the plus strand (A>C on the coding strand, the complement: SI is on the minus strand). VCF-style: chr3-165041011-T-G. GRCh37 (hg19) VCF-style: chr3-164758799-T-G.
Other names: short protein forms L696F.
Identifiers: ClinVar variation 3637429 (VCV003637429.2).